The following is an entry in ClinVar:

NM_001267550.2(TTN):c.79883G>C (p.Arg26628Pro)

Genes: TTN (titin; minus strand), TTN-AS1 (TTN antisense RNA 1; plus strand). Cytogenetic location: 2q31.2.
Variant type: single nucleotide variant.
Coding change: c.79883G>C on transcript NM_001267550.2 (MANE Select); coding-DNA position 79883, G replaced by C.
Protein change: p.Arg26628Pro; replaces arginine 26628 with proline.
Molecular consequence: missense variant.
Genome position (GRCh38, 1-based): chr2:178,566,249, C>G on the plus strand (G>C on the coding strand, the complement: TTN is on the minus strand). VCF-style: chr2-178566249-C-G. GRCh37 (hg19) VCF-style: chr2-179430976-C-G.
Other names: c.74960G>C, p.Arg24987Pro (NM_001256850.1); c.52688G>C, p.Arg17563Pro (NM_003319.4); c.72179G>C, p.Arg24060Pro (NM_133378.4); c.53063G>C, p.Arg17688Pro (NM_133432.3); c.53264G>C, p.Arg17755Pro (NM_133437.4); short protein forms R26628P, R24060P, R17563P, R17755P, R17688P, R24987P.
Identifiers: ClinVar variation 405048 (VCV000405048.14), dbSNP rs201091376, ClinGen allele CA1989422.

ClinVar aggregate classification (germline): Conflicting classifications of pathogenicity. Review status: criteria provided, conflicting classifications (1 of 4 stars). 7 submissions from 7 submitters: Uncertain significance (6); Likely benign (1). Last evaluated 2026-07-14.

Conditions:
TTN-related disorder. Also called: TTN-related disorders; TTN-related condition; TTN-related disease.
Autosomal recessive limb-girdle muscular dystrophy type 2J (LGMDR10). Also called: Limb-girdle muscular dystrophy, type 2J; MUSCULAR DYSTROPHY, LIMB-GIRDLE, AUTOSOMAL RECESSIVE 10. Identifiers: Orphanet 140922, MedGen C1837342, MONDO:0012127, OMIM 608807.
Dilated cardiomyopathy 1G (CMD1G). Identifiers: Orphanet 154, MedGen C1858763, MONDO:0011400, OMIM 604145.
Cardiovascular phenotype. Identifiers: MedGen CN230736.

Allele frequency attached by ClinVar (database versions not stated): gnomAD 0.00016; TOPMed 0.00016; ESP Exome Variant Server 0.00017.
gnomAD v4.1: 47 of 1,613,558 alleles (0.0029%); highest among the groups gnomAD compares: African/African-American, 0.056%; no homozygotes.

Submissions (7):

PreventionGenetics, part of Exact Sciences
Classification: Uncertain significance for TTN-related condition. Last evaluated: 2026-07-14. Review status: criteria provided, single submitter. Criteria: ACMG Guidelines, 2015. Collection method: clinical testing. Allele origin: germline.
Comment: The TTN c.79883G>C variant is predicted to result in the amino acid substitution p.Arg26628Pro. To our knowledge, this variant has not been reported in the literature. This variant is reported in 0.058% of alleles in individuals of African descent in gnomAD. Although we suspect that this variant may be benign, at this time, the clinical significance of this variant is uncertain due to the absence of conclusive functional and genetic evidence.

Revvity Omics, Revvity
Classification: Uncertain significance. Last evaluated: 2023-09-24. Review status: criteria provided, single submitter. Criteria: ACMG Guidelines, 2015. Collection method: clinical testing. Allele origin: germline.

Women's Health and Genetics/Laboratory Corporation of America, LabCorp
Classification: Uncertain significance. Last evaluated: 2023-08-19. Review status: criteria provided, single submitter. Criteria: LabCorp Variant Classification Summary - May 2015. Collection method: clinical testing. Allele origin: germline.

Ambry Genetics
Classification: Uncertain significance for Cardiovascular phenotype. Last evaluated: 2019-01-14. Review status: criteria provided, single submitter. Criteria: Ambry Variant Classification Scheme 2023. Collection method: clinical testing. Allele origin: germline.
Comment: The p.R17563P variant (also known as c.52688G>C), located in coding exon 153 of the TTN gene, results from a G to C substitution at nucleotide position 52688. The arginine at codon 17563 is replaced by proline, an amino acid with dissimilar properties. This amino acid position is not well conserved in available vertebrate species. In addition, this alteration is predicted to be tolerated by in silico analysis. Since supporting evidence is limited at this time, the clinical significance of this alteration remains unclear.

GeneDx
Classification: Likely benign. Last evaluated: 2018-03-20. Review status: criteria provided, single submitter. Criteria: GeneDx Variant Classification (06012015). Collection method: clinical testing. Allele origin: germline. Affected: yes.
Comment: This variant is considered likely benign or benign based on one or more of the following criteria: it is a conservative change, it occurs at a poorly conserved position in the protein, it is predicted to be benign by multiple in silico algorithms, and/or has population frequency not consistent with disease.

Labcorp Genetics (formerly Invitae), Labcorp
Classification: Uncertain significance for Dilated cardiomyopathy 1G; Autosomal recessive limb-girdle muscular dystrophy type 2J. Last evaluated: 2017-12-06. Review status: criteria provided, single submitter. Criteria: Invitae Variant Classification Sherloc (09022015). Collection method: clinical testing. Allele origin: germline.

Eurofins Ntd Llc (ga)
Classification: Uncertain significance. Last evaluated: 2017-06-06. Review status: criteria provided, single submitter. Criteria: EGL Classification Definitions 2015. Collection method: clinical testing. Allele origin: germline. Observed: 1 variant allele, 1 heterozygote.